The following is an entry in ClinVar:

NM_001563.4(IMPG1):c.1228C>A (p.Pro410Thr)

Gene: IMPG1 (interphotoreceptor matrix proteoglycan 1; minus strand). Cytogenetic location: 6q14.1.
Variant type: single nucleotide variant.
Coding change: c.1228C>A on transcript NM_001563.4 (MANE Select); coding-DNA position 1228, C replaced by A.
Protein change: p.Pro410Thr; replaces proline 410 with threonine.
Molecular consequence: missense variant.
Genome position (GRCh38, 1-based): chr6:76,002,981, G>T on the plus strand (C>A on the coding strand, the complement: IMPG1 is on the minus strand). VCF-style: chr6-76002981-G-T. GRCh37 (hg19) VCF-style: chr6-76712698-G-T.
Other names: c.994C>A, p.Pro332Thr (NM_001282368.2); c.1228C>A (NM_001563.2); short protein forms P410T, P332T.
Identifiers: ClinVar variation 957728 (VCV000957728.11), dbSNP rs138431617, ClinGen allele CA3898177.

ClinVar aggregate classification (germline): Uncertain significance. Review status: criteria provided, multiple submitters, no conflicts (2 of 4 stars). 5 submissions from 5 submitters: Uncertain significance (5). Last evaluated 2025-12-19.

Conditions:
IMPG1-related disorder. Also called: IMPG1-related condition.
Vitelliform macular dystrophy 4. Identifiers: Orphanet 99000, MedGen C4015342, MONDO:0014508, OMIM 616151.
Benign concentric annular macular dystrophy. Identifiers: Orphanet 251287, MedGen C5561925, MONDO:0007934, OMIM 153870.

Allele frequency attached by ClinVar (database versions not stated): gnomAD 0.00008 and 0.00009; gnomAD exomes 0.00008; ExAC 0.00010; TOPMed 0.00012; ESP Exome Variant Server 0.00015.
gnomAD v4.1: 92 of 1,613,130 alleles (0.0057%); highest among the groups gnomAD compares: Middle Eastern, 0.066%; no homozygotes.

Submissions (5):

PreventionGenetics, part of Exact Sciences
Classification: Uncertain significance for IMPG1-related condition. Last evaluated: 2025-12-19. Review status: criteria provided, single submitter. Criteria: ACMG Guidelines, 2015. Collection method: clinical testing. Allele origin: germline.
Comment: The IMPG1 c.1228C>A variant is predicted to result in the amino acid substitution p.Pro410Thr. To our knowledge, this variant has not been reported in the literature. This variant is reported in 0.014% of alleles in individuals of European (Non-Finnish) descent in gnomAD. At this time, the clinical significance of this variant is uncertain due to the absence of conclusive functional and genetic evidence.

Labcorp Genetics (formerly Invitae), Labcorp
Classification: Uncertain significance. Last evaluated: 2025-11-01. Review status: criteria provided, single submitter. Criteria: Invitae Variant Classification Sherloc (09022015). Collection method: clinical testing. Allele origin: germline.
Comment: This sequence change replaces proline, which is neutral and non-polar, with threonine, which is neutral and polar, at codon 410 of the IMPG1 protein (p.Pro410Thr). This variant is present in population databases (rs138431617, gnomAD 0.01%). This variant has not been reported in the literature in individuals affected with IMPG1-related conditions. ClinVar contains an entry for this variant (Variation ID: 957728). An algorithm developed to predict the effect of missense changes on protein structure and function (PolyPhen-2) suggests that this variant is likely to be disruptive. In summary, the available evidence is currently insufficient to determine the role of this variant in disease. Therefore, it has been classified as a Variant of Uncertain Significance.

Blueprint Genetics
Classification: Uncertain significance. Last evaluated: 2024-10-28. Review status: criteria provided, single submitter. Criteria: ACMG Guidelines, 2015. Collection method: clinical testing. Allele origin: germline.

Ambry Genetics
Classification: Uncertain significance. Last evaluated: 2023-11-29. Review status: criteria provided, single submitter. Criteria: Ambry Variant Classification Scheme 2023. Collection method: clinical testing. Allele origin: germline.

Department of Pathology and Laboratory Medicine, Sinai Health System
Classification: Uncertain significance for Benign concentric annular macular dystrophy; Vitelliform macular dystrophy 4. Last evaluated: 2023-02-21. Review status: criteria provided, single submitter. Criteria: ACMG Guidelines, 2015. Collection method: research. Allele origin: germline.